The following is an entry in ClinVar:

NM_001386140.1(MTTP):c.1288A>T (p.Ile430Phe)

Gene: MTTP (microsomal triglyceride transfer protein; plus strand). Cytogenetic location: 4q23.
Variant type: single nucleotide variant.
Coding change: c.1288A>T on transcript NM_001386140.1 (MANE Select); coding-DNA position 1288, A replaced by T.
Protein change: p.Ile430Phe; replaces isoleucine 430 with phenylalanine.
Molecular consequence: missense variant.
Genome position (GRCh38, 1-based): chr4:99,601,658, A>T. VCF-style: chr4-99601658-A-T. GRCh37 (hg19) VCF-style: chr4-100522815-A-T.
Other names: c.1288A>T, p.Ile430Phe (NM_000253.4); c.1039A>T, p.Ile347Phe (NM_001300785.2); short protein forms I347F, I430F.
Identifiers: ClinVar variation 1713910 (VCV001713910.5), dbSNP rs1307044024, ClinGen allele CA357509326.

ClinVar aggregate classification (germline): Uncertain significance (1 of 4 stars; one submission).

Submission:

Labcorp Genetics (formerly Invitae), Labcorp
Classification: Uncertain significance. Last evaluated: 2022-08-08. Review status: criteria provided, single submitter. Criteria: Invitae Variant Classification Sherloc (09022015). Collection method: clinical testing. Allele origin: germline.
Comment: In summary, the available evidence is currently insufficient to determine the role of this variant in disease. Therefore, it has been classified as a Variant of Uncertain Significance. Algorithms developed to predict the effect of missense changes on protein structure and function (SIFT, PolyPhen-2, Align-GVGD) all suggest that this variant is likely to be tolerated. This variant has not been reported in the literature in individuals affected with MTTP-related conditions. This variant is not present in population databases (gnomAD no frequency). This sequence change replaces isoleucine, which is neutral and non-polar, with phenylalanine, which is neutral and non-polar, at codon 430 of the MTTP protein (p.Ile430Phe).